The following is an entry in ClinVar:

NM_001165963.4(SCN1A):c.1220T>C (p.Ile407Thr)

Gene: SCN1A (sodium voltage-gated channel alpha subunit 1; minus strand). Cytogenetic location: 2q24.3.
Variant type: single nucleotide variant.
Coding change: c.1220T>C on transcript NM_001165963.4 (MANE Select); coding-DNA position 1220, T replaced by C.
Protein change: p.Ile407Thr; replaces isoleucine 407 with threonine.
Molecular consequence: missense variant. On other transcripts: 5 prime UTR variant (1), non-coding transcript variant (1).
Genome position (GRCh38, 1-based): chr2:166,046,927, A>G on the plus strand (T>C on the coding strand, the complement: SCN1A is on the minus strand). VCF-style: chr2-166046927-A-G. GRCh37 (hg19) VCF-style: chr2-166903437-A-G.
Other names: c.1220T>C, p.Ile407Thr (NM_001353954.2, NM_001353955.2, NM_001353957.2 and 10 more transcripts); c.-1206T>C (NM_001353961.2); c.1220T>C (NM_001202435.1); short protein forms I407T.
Identifiers: ClinVar variation 93629 (VCV000093629.17), dbSNP rs398123581, ClinGen allele CA221555.

ClinVar aggregate classification (germline): Uncertain significance. Review status: criteria provided, multiple submitters, no conflicts (2 of 4 stars). 4 submissions from 4 submitters: Uncertain significance (4). Last evaluated 2025-10-02.

Conditions:
Early-infantile DEE. Also called: Early infantile epileptic encephalopathy with suppression bursts; Ohtahara syndrome; Early infantile epileptic encephalopathy. Identifiers: Orphanet 1934, MedGen C0393706, MONDO:0800491.

Allele frequency attached by ClinVar (database versions not stated): TOPMed 0.00001; gnomAD exomes 0.00001; gnomAD 0.00003.
gnomAD v4.1: 4 of 1,614,020 alleles (0.00025%); highest among the groups gnomAD compares: Non-Finnish European, 0.00034%; no homozygotes.

Submissions (4):

Labcorp Genetics (formerly Invitae), Labcorp
Classification: Uncertain significance for Early-infantile DEE. Last evaluated: 2025-10-02. Review status: criteria provided, single submitter. Criteria: Invitae Variant Classification Sherloc (09022015). Collection method: clinical testing. Allele origin: germline.
Comment: This sequence change replaces isoleucine, which is neutral and non-polar, with threonine, which is neutral and polar, at codon 407 of the SCN1A protein (p.Ile407Thr). This variant is present in population databases (rs398123581, gnomAD 0.002%). This missense change has been observed in individual(s) with clinical features of autosomal dominant SCN1A-related conditions (internal data). ClinVar contains an entry for this variant (Variation ID: 93629). Invitae Evidence Modeling of protein sequence and biophysical properties (such as structural, functional, and spatial information, amino acid conservation, physicochemical variation, residue mobility, and thermodynamic stability) indicates that this missense variant is expected to disrupt SCN1A protein function with a positive predictive value of 95%. In summary, the available evidence is currently insufficient to determine the role of this variant in disease. Therefore, it has been classified as a Variant of Uncertain Significance.

Athena Diagnostics
Classification: Uncertain significance. Last evaluated: 2024-04-22. Review status: criteria provided, single submitter. Criteria: Athena Diagnostics Criteria. Collection method: clinical testing. Allele origin: unknown.
Comment: Available data are insufficient to determine the clinical significance of the variant at this time. The frequency of this variant in the general population is uninformative in assessment of its pathogenicity. This variant has been identified in at least one individual tested at Athena Diagnostics with clinical features associated with this gene. Polyphen and MutationTaster predict this amino acid change may be damaging to the protein. The variant is located in a region that is considered important for protein function and/or structure.

GeneDx
Classification: Uncertain significance. Last evaluated: 2023-03-31. Review status: criteria provided, single submitter. Criteria: GeneDx Variant Classification Process June 2021. Collection method: clinical testing. Allele origin: germline. Affected: yes.
Comment: Missense variants in this gene are often considered pathogenic (HGMD); In silico analysis supports that this missense variant has a deleterious effect on protein structure/function; Predicted to be within the transmembrane segment S6 of the first homologous domain; Has not been previously published as pathogenic or benign to our knowledge; This variant is associated with the following publications: (PMID: 29720203)

Eurofins Ntd Llc (ga)
Classification: Uncertain significance. Last evaluated: 2016-11-11. Review status: criteria provided, single submitter. Criteria: EGL Classification Definitions 2015. Collection method: clinical testing. Allele origin: germline. Observed: 2 variant alleles, 2 heterozygotes.